The following is an entry in ClinVar:

ClinVar aggregate classification (germline): Uncertain significance (1 of 4 stars; one submission).

Submission:

Labcorp Genetics (formerly Invitae), Labcorp
Classification: Uncertain significance. Last evaluated: 2025-11-12. Review status: criteria provided, single submitter. Criteria: Invitae Variant Classification Sherloc (09022015). Collection method: clinical testing. Allele origin: germline.
Comment: This sequence change creates a premature translational stop signal (p.Leu833Trpfs*2) in the SAMD9L gene. While this is not anticipated to result in nonsense mediated decay, it is expected to disrupt the last 752 amino acid(s) of the SAMD9L protein. This variant is not present in population databases (gnomAD no frequency). This variant has not been reported in the literature in individuals affected with SAMD9L-related conditions. ClinVar contains an entry for this variant (Variation ID: 3644933). Experimental studies and prediction algorithms are not available or were not evaluated, and the functional significance of this variant is currently unknown. In summary, the available evidence is currently insufficient to determine the role of this variant in disease. Therefore, it has been classified as a Variant of Uncertain Significance.

NM_152703.5(SAMD9L):c.2498del (p.Leu833fs)

Gene: SAMD9L (sterile alpha motif domain containing 9 like; minus strand). Cytogenetic location: 7q21.2.
Variant type: Deletion.
Coding change: c.2498del on transcript NM_152703.5 (MANE Select); coding-DNA position 2498, one base deleted (T; older notation c.2498delT).
Protein change: p.Leu833fs; shifts the reading frame from leucine 833.
Molecular consequence: frameshift variant.
Genome position (GRCh38, 1-based): chr7:93,133,474, A deleted on the plus strand (T on the coding strand, the reverse complement: SAMD9L is on the minus strand); the first of 2 consecutive A bases (chr7:93,133,474-93,133,475); deleting either gives the same sequence. VCF-style (leftmost placement, unchanged base first): chr7-93133473-CA-C. GRCh37 (hg19) VCF-style: chr7-92762786-CA-C.
Other names: c.2498del, p.Leu833fs (NM_001303496.3, NM_001303497.3, NM_001303498.3 and 5 more transcripts); short protein forms L833fs.
Identifiers: ClinVar variation 3644933 (VCV003644933.2).